The following is an entry in ClinVar:

ClinVar aggregate classification (germline): Pathogenic. Review status: criteria provided, multiple submitters, no conflicts (2 of 4 stars). 6 submissions from 6 submitters: Pathogenic (4). 2 of the submissions do not count toward it. Last evaluated 2026-01-03.

Conditions:
LADD syndrome 1 (LADD1). Also called: Lacrimoauriculodentodigital syndrome 1. Identifiers: MedGen C5774323, MONDO:0100302, OMIM 149730.
FGFR2-related craniosynostosis. Identifiers: MedGen CN231480.
Levy-Hollister syndrome (LADD). Also called: LADD syndrome. Identifiers: Orphanet 2363, MedGen C0265269, MONDO:0007872.
Familial scaphocephaly syndrome, McGillivray type. Also called: SCAPHOCEPHALY, MAXILLARY RETRUSION, AND IMPAIRED INTELLECTUAL DEVELOPMENT. Identifiers: Orphanet 168624, MedGen C1865070, MONDO:0012307, OMIM 609579.

Allele frequency attached by ClinVar (database versions not stated): gnomAD exomes below 0.00001; TOPMed below 0.00001.
gnomAD v4.1: 1 of 1,614,030 alleles (0.000062%); highest among the groups gnomAD compares: Non-Finnish European, 0.000085%; no homozygotes.

Submissions (6):

GeneDx
Classification: Pathogenic. Last evaluated: 2026-01-03. Review status: criteria provided, single submitter. Criteria: GeneDx Variant Classification Process June 2021. Collection method: clinical testing. Allele origin: germline.
Comment: Not observed at significant frequency in large population cohorts (gnomAD); In silico analysis supports that this missense variant has a deleterious effect on protein structure/function; This variant is associated with the following publications: (PMID: 23754559, 33149276, 31502745, 11781872, 16501574)

Labcorp Genetics (formerly Invitae), Labcorp
Classification: Pathogenic for FGFR2-related craniosynostosis. Last evaluated: 2023-09-22. Review status: criteria provided, single submitter. Criteria: Invitae Variant Classification Sherloc (09022015). Collection method: clinical testing. Allele origin: germline.
Comment: This variant is not present in population databases (gnomAD no frequency). This missense change has been observed in individuals with lacrimoauriculodentodigital syndrome and/or radial anomalies (PMID: 16501574, 31502745). It has also been observed to segregate with disease in related individuals. ClinVar contains an entry for this variant (Variation ID: 13296). Advanced modeling of protein sequence and biophysical properties (such as structural, functional, and spatial information, amino acid conservation, physicochemical variation, residue mobility, and thermodynamic stability) performed at Invitae indicates that this missense variant is expected to disrupt FGFR2 protein function. For these reasons, this variant has been classified as Pathogenic. This sequence change replaces alanine, which is neutral and non-polar, with threonine, which is neutral and polar, at codon 648 of the FGFR2 protein (p.Ala648Thr).

Institute of Medical Genetics and Applied Genomics, University Hospital Tübingen
Classification: Pathogenic. Last evaluated: 2021-02-01. Review status: criteria provided, single submitter. Criteria: ACMG Guidelines, 2015. Collection method: clinical testing. Allele origin: germline. Inheritance: Autosomal dominant inheritance. Affected: yes.

Equipe Genetique des Anomalies du Developpement, Université de Bourgogne
Classification: Pathogenic for LADD syndrome 1. Last evaluated: 2014-01-01. Review status: criteria provided, single submitter. Criteria: ACMG Guidelines, 2007. Collection method: clinical testing. Allele origin: inherited. Affected: yes.

Solve-RD Consortium
Classification: Likely pathogenic for Familial scaphocephaly syndrome, McGillivray type. Last evaluated: 2022-06-01. Review status: no assertion criteria provided. Collection method: provider interpretation. Allele origin: inherited. Affected: yes. Not counted in ClinVar's aggregate classification.
Comment: Variant confirmed as disease-causing by referring clinical team

Variant identified during reanalysis of unsolved cases by the Solve-RD project. The Solve-RD project has received funding from the European Union’s Horizon 2020 research and innovation programme under grant agreement No 779257.

OMIM
Classification: Pathogenic for LADD SYNDROME 1. Last evaluated: 2006-04-01. Review status: no assertion criteria provided. Collection method: literature only. Allele origin: germline. Not counted in ClinVar's aggregate classification.

Literature cited by the submitters: PubMed 16501574 (cited by Labcorp Genetics (formerly Invitae), Labcorp and OMIM); PubMed 31502745 (cited by Labcorp Genetics (formerly Invitae), Labcorp); PubMed 39825153 (cited by Solve-RD Consortium).

NM_000141.5(FGFR2):c.1942G>A (p.Ala648Thr)

Gene: FGFR2 (fibroblast growth factor receptor 2; minus strand). Cytogenetic location: 10q26.13.
Variant type: single nucleotide variant.
Coding change: c.1942G>A on transcript NM_000141.5 (MANE Select); coding-DNA position 1942, G replaced by A.
Protein change: p.Ala648Thr; replaces alanine 648 with threonine.
Molecular consequence: missense variant. On other transcripts: non-coding transcript variant (1).
Genome position (GRCh38, 1-based): chr10:121,488,035, C>T on the plus strand (G>A on the coding strand, the complement: FGFR2 is on the minus strand). VCF-style: chr10-121488035-C-T. GRCh37 (hg19) VCF-style: chr10-123247549-C-T.
Other names: c.1945G>A, p.Ala649Thr (NM_001144913.1, NM_022970.4); c.1606G>A, p.Ala536Thr (NM_001144914.1); c.1675G>A, p.Ala559Thr (NM_001144915.2, NM_023029.3); c.1597G>A, p.Ala533Thr (NM_001144916.2); c.1594G>A, p.Ala532Thr (NM_001144917.2); c.1591G>A, p.Ala531Thr (NM_001144918.2); c.1678G>A, p.Ala560Thr (NM_001144919.2); c.1258G>A, p.Ala420Thr (NM_001320654.2); and 1 more; short protein forms A648T, A649T, A531T, A533T, A532T, A559T, A420T, A536T.
Identifiers: ClinVar variation 13296 (VCV000013296.17), dbSNP rs121918508, ClinGen allele CA122998.